The following is an entry in ClinVar:

ClinVar aggregate classification (germline): Likely pathogenic (1 of 4 stars; one submission).

Submission:

Labcorp Genetics (formerly Invitae), Labcorp
Classification: Likely pathogenic. Last evaluated: 2026-01-06. Review status: criteria provided, single submitter. Criteria: Invitae Variant Classification Sherloc (09022015). Collection method: clinical testing. Allele origin: germline.
Comment: This sequence change replaces aspartic acid, which is acidic and polar, with histidine, which is basic and polar, at codon 383 of the TYR protein (p.Asp383His). This variant is not present in population databases (gnomAD no frequency). This variant has not been reported in the literature in individuals affected with TYR-related conditions. Invitae Evidence Modeling of protein sequence and biophysical properties (such as structural, functional, and spatial information, amino acid conservation, physicochemical variation, residue mobility, and thermodynamic stability) indicates that this missense variant is expected to disrupt TYR protein function with a positive predictive value of 95%. This variant disrupts the p.Asp383 amino acid residue in TYR. Other variant(s) that disrupt this residue have been determined to be pathogenic (PMID: 2342539). This suggests that this residue is clinically significant, and that variants that disrupt this residue are likely to be disease-causing. In summary, the currently available evidence indicates that the variant is pathogenic, but additional data are needed to prove that conclusively. Therefore, this variant has been classified as Likely Pathogenic.

Literature cited by the submitters: PubMed 2342539.

NM_000372.5(TYR):c.1147G>C (p.Asp383His)

Gene: TYR (tyrosinase; plus strand). Cytogenetic location: 11q14.3.
Variant type: single nucleotide variant.
Coding change: c.1147G>C on transcript NM_000372.5 (MANE Select); coding-DNA position 1147, G replaced by C.
Protein change: p.Asp383His; replaces aspartic acid 383 with histidine.
Molecular consequence: missense variant.
Genome position (GRCh38, 1-based): chr11:89,227,933, G>C. VCF-style: chr11-89227933-G-C. GRCh37 (hg19) VCF-style: chr11-88961101-G-C.
Other names: short protein forms D383H.
Identifiers: ClinVar variation 4761087 (VCV004761087.1).